The following is an entry in ClinVar:

NM_152564.5(VPS13B):c.11852T>C (p.Ile3951Thr)

Gene: VPS13B (vacuolar protein sorting 13 homolog B; plus strand). Cytogenetic location: 8q22.2.
Variant type: single nucleotide variant.
Coding change: c.11852T>C on transcript NM_152564.5 (MANE Select); coding-DNA position 11852, T replaced by C.
Protein change: p.Ile3951Thr; replaces isoleucine 3951 with threonine.
Molecular consequence: missense variant.
Genome position (GRCh38, 1-based): chr8:99,875,524, T>C. VCF-style: chr8-99875524-T-C. GRCh37 (hg19) VCF-style: chr8-100887752-T-C.
Other names: c.11852T>C (NM_152564.4); c.11927T>C, p.Ile3976Thr (NM_017890.5); short protein forms I3951T.
Identifiers: ClinVar variation 95830 (VCV000095830.24), dbSNP rs73273219, ClinGen allele CA223359.

ClinVar aggregate classification (germline): Conflicting classifications of pathogenicity. Review status: criteria provided, conflicting classifications (1 of 4 stars). 7 submissions from 7 submitters: Uncertain significance (2); Likely benign (3). 2 of the submissions do not count toward it. Last evaluated 2026-01-21.

Conditions:
VPS13B-related disorder. Also called: VPS13B-related condition.
Inborn genetic diseases. Identifiers: MedGen C0950123, MeSH D030342.
Cohen syndrome (COH1). Also called: PEPPER SYNDROME; Cutis verticis gyrata, retinitis pigmentosa, and sensorineural deafness. Identifiers: Orphanet 193, MedGen C0265223, MONDO:0008999, OMIM 216550.
Early onset severe obesity. Identifiers: MedGen C4013980.

Allele frequency attached by ClinVar (database versions not stated): gnomAD exomes 0.00005 and 0.00016; ExAC 0.00021; ESP Exome Variant Server 0.00038; gnomAD 0.00061 and 0.00057; TOPMed 0.00062; 1000 Genomes Project 0.00120; 1000 Genomes Project 30x 0.00125.
gnomAD v4.1: 165 of 1,614,052 alleles (0.01%); highest among the groups gnomAD compares: African/African-American, 0.2%; no homozygotes.

Submissions (7):

Labcorp Genetics (formerly Invitae), Labcorp
Classification: Likely benign for Cohen syndrome. Last evaluated: 2026-01-21. Review status: criteria provided, single submitter. Criteria: Invitae Variant Classification Sherloc (09022015). Collection method: clinical testing. Allele origin: germline.

Cambridge Genomics Laboratory, East Genomic Laboratory Hub, NHS Genomic Medicine Service
Classification: Uncertain significance for Severe early-onset obesity. Last evaluated: 2024-12-09. Review status: criteria provided, single submitter. Criteria: ACGS Best Practice Guidelines for Variant Classification in Rare Disease 2020. Collection method: clinical testing. Allele origin: germline. Affected: yes.
Comment: PM2,BP4

Ambry Genetics
Classification: Likely benign for Inborn genetic diseases. Last evaluated: 2024-06-11. Review status: criteria provided, single submitter. Criteria: Ambry Variant Classification Scheme 2023. Collection method: clinical testing. Allele origin: germline.

Blueprint Genetics
Classification: Likely benign. Last evaluated: 2023-07-10. Review status: criteria provided, single submitter. Criteria: ACMG Guidelines, 2015. Collection method: clinical testing. Allele origin: germline.

Eurofins Ntd Llc (ga)
Classification: Uncertain significance. Last evaluated: 2012-11-20. Review status: criteria provided, single submitter. Criteria: EGL Classification Definitions 2015. Collection method: clinical testing. Allele origin: germline. Observed: 1 variant allele, 1 heterozygote.

PreventionGenetics, part of Exact Sciences
Classification: Likely benign for VPS13B-related condition. Last evaluated: 2022-04-05. Review status: no assertion criteria provided. Collection method: clinical testing. Allele origin: germline. Not counted in ClinVar's aggregate classification.
Comment: This variant is classified as likely benign based on ACMG/AMP sequence variant interpretation guidelines (Richards et al. 2015 PMID: 25741868, with internal and published modifications).

Natera, Inc.
Classification: Likely benign for Cohen syndrome. Last evaluated: 2019-11-11. Review status: no assertion criteria provided. Collection method: clinical testing. Allele origin: germline. Not counted in ClinVar's aggregate classification.